The following is an entry in ClinVar:

ClinVar aggregate classification (germline): Uncertain significance (1 of 4 stars; one submission).

Allele frequency attached by ClinVar (database versions not stated): ExAC 0.00001; gnomAD 0.00001; gnomAD exomes 0.00001 and 0.00002.

Submission:

Labcorp Genetics (formerly Invitae), Labcorp
Classification: Uncertain significance. Last evaluated: 2022-07-19. Review status: criteria provided, single submitter. Criteria: Invitae Variant Classification Sherloc (09022015). Collection method: clinical testing. Allele origin: germline.
Comment: In summary, the available evidence is currently insufficient to determine the role of this variant in disease. Therefore, it has been classified as a Variant of Uncertain Significance. Algorithms developed to predict the effect of missense changes on protein structure and function are either unavailable or do not agree on the potential impact of this missense change (SIFT: "Deleterious"; PolyPhen-2: "Possibly Damaging"; Align-GVGD: "Class C0"). ClinVar contains an entry for this variant (Variation ID: 1471038). This variant has not been reported in the literature in individuals affected with MMP13-related conditions. This variant is present in population databases (rs767829684, gnomAD 0.006%). This sequence change replaces arginine, which is basic and polar, with cysteine, which is neutral and slightly polar, at codon 41 of the MMP13 protein (p.Arg41Cys).

NM_002427.4(MMP13):c.121C>T (p.Arg41Cys)

Genes: MMP13 (matrix metallopeptidase 13; minus strand), LOC126861318 (BRD4-independent group 4 enhancer GRCh37_chr11:102825894-102827093; plus strand). Cytogenetic location: 11q22.2.
Variant type: single nucleotide variant.
Coding change: c.121C>T on transcript NM_002427.4 (MANE Select); coding-DNA position 121, C replaced by T.
Protein change: p.Arg41Cys; replaces arginine 41 with cysteine.
Molecular consequence: missense variant.
Genome position (GRCh38, 1-based): chr11:102,955,493, G>A on the plus strand (C>T on the coding strand, the complement: MMP13 is on the minus strand). VCF-style: chr11-102955493-G-A. GRCh37 (hg19) VCF-style: chr11-102826222-G-A.
Other names: short protein forms R41C.
Identifiers: ClinVar variation 1471038 (VCV001471038.6), dbSNP rs767829684, ClinGen allele CA6252058.